The following is an entry in ClinVar:

ClinVar aggregate classification (germline): Uncertain significance (1 of 4 stars; one submission).

Conditions:
Inborn genetic diseases. Identifiers: MedGen C0950123, MeSH D030342.

Submission:

Ambry Genetics
Classification: Uncertain significance for Inborn genetic diseases. Last evaluated: 2026-01-14. Review status: criteria provided, single submitter. Criteria: Ambry Variant Classification Scheme 2023. Collection method: clinical testing. Allele origin: germline.
Comment: The p.G869D variant (also known as c.2606G>A), located in coding exon 13 of the ASXL1 gene, results from a G to A substitution at nucleotide position 2606. The glycine at codon 869 is replaced by aspartic acid, an amino acid with similar properties. This amino acid position is conserved. In addition, this alteration is predicted to be tolerated by in silico analysis. Based on the available evidence, the clinical significance of this variant remains unclear.

NM_015338.6(ASXL1):c.2606G>A (p.Gly869Asp)

Gene: ASXL1 (ASXL transcriptional regulator 1; plus strand). Cytogenetic location: 20q11.21.
Variant type: single nucleotide variant.
Coding change: c.2606G>A on transcript NM_015338.6 (MANE Select); coding-DNA position 2606, G replaced by A.
Protein change: p.Gly869Asp; replaces glycine 869 with aspartic acid.
Molecular consequence: missense variant.
Genome position (GRCh38, 1-based): chr20:32,435,318, G>A. VCF-style: chr20-32435318-G-A. GRCh37 (hg19) VCF-style: chr20-31023121-G-A.
Other names: c.2423G>A, p.Gly808Asp (NM_001363734.1); short protein forms G869D, G808D.
Identifiers: ClinVar variation 4843680 (VCV004843680.1).